The following is an entry in ClinVar:

NC_000011.9:g.(?_61725598)_(61730385_?)del

Gene: BEST1 (bestrophin 1; plus strand). Cytogenetic location: 11q12.3.
Variant type: Deletion.
Identifiers: ClinVar variation 1511816 (VCV001511816.6).

ClinVar aggregate classification (germline): Likely pathogenic (1 of 4 stars; one submission).

Submission:

Labcorp Genetics (formerly Invitae), Labcorp
Classification: Likely pathogenic. Last evaluated: 2021-05-21. Review status: criteria provided, single submitter. Criteria: Invitae Variant Classification Sherloc (09022015). Collection method: clinical testing. Allele origin: germline.
Comment: This variant has not been reported in the literature in individuals with BEST1-related conditions. In summary, the currently available evidence indicates that the variant is pathogenic, but additional data are needed to prove that conclusively. Therefore, this variant has been classified as Likely Pathogenic. This variant disrupts the p.Thr277 amino acid residue in BEST1. Other variant(s) that disrupt this residue have been determined to be pathogenic (PMID: 30781664, 28687848, 30593719, 25474345). This suggests that this residue is clinically significant, and that variants that disrupt this residue are likely to be disease-causing. This variant is a gross deletion of the genomic region encompassing exon(s) 7-10 of the BEST1 gene. While this deletion is not anticipated to lead to nonsense mediated decay, it is expected to disrupt the C-terminus of the protein.

Literature cited by the submitters: PubMed 30781664; PubMed 28687848; PubMed 30593719; PubMed 25474345.